The following is an entry in ClinVar:

NM_002907.4(RECQL):c.897T>G (p.Asp299Glu)

Gene: RECQL (RecQ like helicase; minus strand). Cytogenetic location: 12p12.1.
Variant type: single nucleotide variant.
Coding change: c.897T>G on transcript NM_002907.4 (MANE Select); coding-DNA position 897, T replaced by G.
Protein change: p.Asp299Glu; replaces aspartic acid 299 with glutamic acid.
Molecular consequence: missense variant.
Genome position (GRCh38, 1-based): chr12:21,476,963, A>C on the plus strand (T>G on the coding strand, the complement: RECQL is on the minus strand). VCF-style: chr12-21476963-A-C. GRCh37 (hg19) VCF-style: chr12-21629897-A-C.
Other names: c.897T>G, p.Asp299Glu (NM_032941.3); short protein forms D299E.
Identifiers: ClinVar variation 2565593 (VCV002565593.3), dbSNP rs2540352178, ClinGen allele CA384123056.

ClinVar aggregate classification (germline): Uncertain significance (1 of 4 stars; one submission).

gnomAD v4.1: 1 of 1,610,518 alleles (0.000062%); no homozygotes.

Submission:

Ambry Genetics
Classification: Uncertain significance. Last evaluated: 2025-06-20. Review status: criteria provided, single submitter. Criteria: Ambry Variant Classification Scheme 2023. Collection method: clinical testing. Allele origin: germline.
Comment: The p.D299E variant (also known as c.897T>G), located in coding exon 7 of the RECQL gene, results from a T to G substitution at nucleotide position 897. The aspartic acid at codon 299 is replaced by glutamic acid, an amino acid with highly similar properties. This amino acid position is conserved. In addition, this alteration is predicted to be tolerated by in silico analysis. Since supporting evidence is limited at this time, the clinical significance of this alteration remains unclear.